The following is an entry in ClinVar:

ClinVar aggregate classification (germline): Pathogenic (1 of 4 stars; one submission).

Conditions:
Asphyxiating thoracic dystrophy 3. Also called: SHORT-RIB THORACIC DYSPLASIA 3 WITH OR WITHOUT POLYDACTYLY; POLYDACTYLY WITH NEONATAL CHONDRODYSTROPHY, TYPE I; SHORT-RIB THORACIC DYSPLASIA 3/6 WITH POLYDACTYLY, DIGENIC; Short rib polydactyly syndrome 2B; Saldino-Noonan Syndrome. Identifiers: Orphanet 474, Orphanet 93269, Orphanet 93270, Orphanet 93271, MedGen C0036069, MONDO:0013127, OMIM 613091.

gnomAD v4.1: 5 of 1,551,478 alleles (0.00032%); highest among the groups gnomAD compares: Non-Finnish European, 0.00043%; no homozygotes.

Submission:

Myriad Genetics, Inc.
Classification: Pathogenic for Asphyxiating thoracic dystrophy 3. Last evaluated: 2026-02-21. Review status: criteria provided, single submitter. Criteria: Myriad Autosomal Dominant, Autosomal Recessive and X-Linked Classification Criteria (2023). Collection method: clinical testing. Allele origin: unknown.
Comment: NM_001377.2(DYNC2H1):c.3331G>T(E1111*) is expected to be pathogenic in the context of DYNC2H1-related disorders. This variant is predicted to lead to an abnormal or absent protein product due to the creation of a premature termination codon in DYNC2H1, a gene where loss-of-function variants are known to be pathogenic. Please note: this variant was assessed in the context of healthy population screening.

NM_001377.3(DYNC2H1):c.3331G>T (p.Glu1111Ter)

Gene: DYNC2H1 (dynein cytoplasmic 2 heavy chain 1; plus strand). Cytogenetic location: 11q22.3.
Variant type: single nucleotide variant.
Coding change: c.3331G>T on transcript NM_001377.3 (MANE Select); coding-DNA position 3331, G replaced by T.
Protein change: p.Glu1111Ter; replaces glutamic acid 1111 with a stop codon.
Molecular consequence: nonsense.
Genome position (GRCh38, 1-based): chr11:103,154,479, G>T. VCF-style: chr11-103154479-G-T. GRCh37 (hg19) VCF-style: chr11-103025208-G-T.
Other names: c.3331G>T, p.Glu1111Ter (NM_001080463.2); short protein forms E1111*.
Identifiers: ClinVar variation 5015585 (VCV005015585.1).